The following is an entry in ClinVar:

ClinVar aggregate classification (germline): Uncertain significance (1 of 4 stars; one submission).

Conditions:
Monocytopenia with susceptibility to infections. Also called: MONOCYTOPENIA AND MYCOBACTERIAL INFECTION SYNDROME; MONOCYTOPENIA WITH SUSCEPTIBILITY TO MYCOBACTERIAL, FUNGAL, AND PAPILLOMAVIRUS INFECTIONS AND MYELODYSPLASIA; COMBINED IMMUNODEFICIENCY WITH SUSCEPTIBILITY TO MYCOBACTERIAL, VIRAL, AND FUNGAL INFECTIONS; Dendritic cell, monocyte, B lymphocyte, and natural killer lymphocyte deficiency; IMMUNODEFICIENCY 21; GATA2 DEFICIENCY. Identifiers: Orphanet 228423, MedGen C3280030, MONDO:0013607, OMIM 614172.
Deafness-lymphedema-leukemia syndrome. Also called: Lymphedema, primary, with myelodysplasia; Emberger syndrome. Identifiers: Orphanet 3226, MedGen C3279664, MONDO:0013540, OMIM 614038.

Submission:

Labcorp Genetics (formerly Invitae), Labcorp
Classification: Uncertain significance for Monocytopenia with susceptibility to infections; Deafness-lymphedema-leukemia syndrome. Last evaluated: 2022-07-29. Review status: criteria provided, single submitter. Criteria: Invitae Variant Classification Sherloc (09022015). Collection method: clinical testing. Allele origin: germline.
Comment: This variant is not present in population databases (gnomAD no frequency). This sequence change replaces aspartic acid, which is acidic and polar, with glutamic acid, which is acidic and polar, at codon 99 of the GATA2 protein (p.Asp99Glu). This variant has not been reported in the literature in individuals affected with GATA2-related conditions. In summary, the available evidence is currently insufficient to determine the role of this variant in disease. Therefore, it has been classified as a Variant of Uncertain Significance. Advanced modeling of protein sequence and biophysical properties (such as structural, functional, and spatial information, amino acid conservation, physicochemical variation, residue mobility, and thermodynamic stability) performed at Invitae indicates that this missense variant is not expected to disrupt GATA2 protein function.

NM_032638.5(GATA2):c.297C>A (p.Asp99Glu)

Gene: GATA2 (GATA binding protein 2; minus strand). Cytogenetic location: 3q21.3.
Variant type: single nucleotide variant.
Coding change: c.297C>A on transcript NM_032638.5 (MANE Select); coding-DNA position 297, C replaced by A.
Protein change: p.Asp99Glu; replaces aspartic acid 99 with glutamic acid.
Molecular consequence: missense variant.
Genome position (GRCh38, 1-based): chr3:128,486,301, G>T on the plus strand (C>A on the coding strand, the complement: GATA2 is on the minus strand). VCF-style: chr3-128486301-G-T. GRCh37 (hg19) VCF-style: chr3-128205144-G-T.
Other names: c.297C>A, p.Asp99Glu (NM_001145661.2, NM_001145662.1); short protein forms D99E.
Identifiers: ClinVar variation 1714128 (VCV001714128.5), dbSNP rs1411693599, ClinGen allele CA354407512.